The following is an entry in ClinVar:

ClinVar aggregate classification (germline): Uncertain significance (1 of 4 stars; one submission).

Conditions:
Ehlers-Danlos syndrome, classic type, 1 (EDSCL1). Also called: EHLERS-DANLOS SYNDROME, GRAVIS TYPE; EHLERS-DANLOS SYNDROME, SEVERE CLASSIC TYPE; EDS I; Ehlers-Danlos Syndrome, Classic Type, COL5A1-Related; Ehlers-Danlos syndrome, type 1. Identifiers: MedGen C0268335, MONDO:0019567, OMIM 130000.

Submission:

Labcorp Genetics (formerly Invitae), Labcorp
Classification: Uncertain significance for Ehlers-Danlos syndrome, classic type, 1. Last evaluated: 2020-02-19. Review status: criteria provided, single submitter. Criteria: Invitae Variant Classification Sherloc (09022015). Collection method: clinical testing. Allele origin: germline.
Comment: This sequence change replaces proline with threonine at codon 1023 of the COL5A1 protein (p.Pro1023Thr). The proline residue is highly conserved and there is a small physicochemical difference between proline and threonine. In summary, the available evidence is currently insufficient to determine the role of this variant in disease. Therefore, it has been classified as a Variant of Uncertain Significance. Algorithms developed to predict the effect of missense changes on protein structure and function are either unavailable or do not agree on the potential impact of this missense change (SIFT: "Deleterious"; PolyPhen-2: "Benign"; Align-GVGD: "Class C35"). This variant has not been reported in the literature in individuals with COL5A1-related conditions. This variant is not present in population databases (ExAC no frequency).

NM_000093.5(COL5A1):c.3067C>A (p.Pro1023Thr)

Gene: COL5A1 (collagen type V alpha 1 chain; plus strand). Cytogenetic location: 9q34.3.
Variant type: single nucleotide variant.
Coding change: c.3067C>A on transcript NM_000093.5 (MANE Select); coding-DNA position 3067, C replaced by A.
Protein change: p.Pro1023Thr; replaces proline 1023 with threonine.
Molecular consequence: missense variant.
Genome position (GRCh38, 1-based): chr9:134,802,948, C>A. VCF-style: chr9-134802948-C-A. GRCh37 (hg19) VCF-style: chr9-137694794-C-A.
Other names: c.3067C>A, p.Pro1023Thr (NM_001278074.1); short protein forms P1023T.
Identifiers: ClinVar variation 1022995 (VCV001022995.48), dbSNP rs1838166559, ClinGen allele CA375448334.